The following is an entry in ClinVar:

ClinVar aggregate classification (germline): Uncertain significance (1 of 4 stars; one submission).

Conditions:
Hereditary sensory and autonomic neuropathy type 6. Also called: Neuropathy, hereditary sensory and autonomic, type VI; HSAN VI. Identifiers: Orphanet 314381, MedGen C3539003, MONDO:0013839, OMIM 614653.
Epidermolysis bullosa simplex 3, localized or generalized intermediate, with BP230 deficiency (EBS3). Also called: Epidermolysis bullosa simplex due to BP230 deficiency; Epidermolysis bullosa simplex, autosomal recessive 2. Identifiers: Orphanet 412181, MedGen C3809470, MONDO:0014180, OMIM 615425.

Submission:

Labcorp Genetics (formerly Invitae), Labcorp
Classification: Uncertain significance for Epidermolysis bullosa simplex 3, localized or generalized intermediate, with BP230 deficiency; Hereditary sensory and autonomic neuropathy type 6. Last evaluated: 2022-02-03. Review status: criteria provided, single submitter. Criteria: Invitae Variant Classification Sherloc (09022015). Collection method: clinical testing. Allele origin: germline.
Comment: This variant has not been reported in the literature in individuals affected with DST-related conditions. In summary, the available evidence is currently insufficient to determine the role of this variant in disease. Therefore, it has been classified as a Variant of Uncertain Significance. Algorithms developed to predict the effect of missense changes on protein structure and function (SIFT, PolyPhen-2, Align-GVGD) all suggest that this variant is likely to be tolerated. ClinVar contains an entry for this variant (Variation ID: 1052622). This variant is not present in population databases (gnomAD no frequency). This sequence change replaces aspartic acid, which is acidic and polar, with glycine, which is neutral and non-polar, at codon 2413 of the DST protein (p.Asp2413Gly).

NM_001723.7(DST):c.7238A>G (p.Asp2413Gly)

Gene: DST (dystonin; minus strand). Cytogenetic location: 6p12.1.
Variant type: single nucleotide variant.
Coding change: c.7238A>G on transcript NM_001723.7 (MANE Plus Clinical); coding-DNA position 7238, A replaced by G.
Protein change: p.Asp2413Gly; replaces aspartic acid 2413 with glycine.
Molecular consequence: missense variant. On other transcripts: intron variant (10).
Genome position (GRCh38, 1-based): chr6:56,616,229, T>C on the plus strand (A>G on the coding strand, the complement: DST is on the minus strand). VCF-style: chr6-56616229-T-C. GRCh37 (hg19) VCF-style: chr6-56481027-T-C.
Other names: c.4831-1745A>G (NM_001144769.5); c.4930-1745A>G (NM_001374722.1, NM_001374736.1); c.4957-1745A>G (NM_001374734.1); c.4417-1745A>G (NM_001144770.2); c.4297-1745A>G (NM_001374730.1, NM_001386100.1, NM_183380.4 and 1 more transcripts); c.3319-1745A>G (NM_015548.5); short protein forms D2413G.
Identifiers: ClinVar variation 1052622 (VCV001052622.9), dbSNP rs2152729467, ClinGen allele CA364563414.